The following is an entry in ClinVar:

NM_000044.6(AR):c.2257C>T (p.Arg753Ter)

Gene: AR (androgen receptor; plus strand). Cytogenetic location: Xq12.
Variant type: single nucleotide variant.
Coding change: c.2257C>T on transcript NM_000044.6 (MANE Select); coding-DNA position 2257, C replaced by T.
Protein change: p.Arg753Ter; replaces arginine 753 with a stop codon.
Molecular consequence: nonsense.
Genome position (GRCh38, 1-based): chrX:67,717,561, C>T. VCF-style: chrX-67717561-C-T. GRCh37 (hg19) VCF-style: chrX-66937403-C-T.
Other names: c.661C>T, p.Arg221Ter (NM_001011645.3); short protein forms R753*, R221*.
Identifiers: ClinVar variation 265460 (VCV000265460.11), dbSNP rs886039558, ClinGen allele CA10588795.

ClinVar aggregate classification (germline): Pathogenic. Review status: criteria provided, multiple submitters, no conflicts (2 of 4 stars). 4 submissions from 4 submitters: Pathogenic (4). Last evaluated 2024-07-04.

Conditions:
Androgen resistance syndrome (AIS). Also called: Androgen insensitivity syndrome; TESTICULAR FEMINIZATION SYNDROME; Androgen insensitivity syndrome due to coactivator deficiency; Androgen insensitivity; ANDROGEN RECEPTOR DEFICIENCY; DIHYDROTESTOSTERONE RECEPTOR DEFICIENCY. Identifiers: Orphanet 754, Orphanet 99429, MedGen C0039585, MONDO:0019154, OMIM 300068. Disease mechanism: loss of function.
Kennedy disease (SMAX1). Also called: KENNEDY SPINAL AND BULBAR MUSCULAR ATROPHY; Spinal and Bulbar Muscular Atrophy; SPINAL AND BULBAR MUSCULAR ATROPHY, X-LINKED 1. Identifiers: Orphanet 481, MedGen C1839259, MONDO:0010735, OMIM 313200.

Allele frequency attached by ClinVar (database versions not stated): gnomAD exomes below 0.00001.

Submissions (4):

Genetics Department, Polish Mother's Memorial Hospital Research Institute
Classification: Pathogenic for Androgen resistance syndrome. Last evaluated: 2024-07-04. Review status: criteria provided, single submitter. Criteria: ACMG Guidelines, 2015. Collection method: research. Allele origin: germline. Affected: yes.
Comment: The detected NM_000044.6:c.2257C>T p.(Arg753*) variant causes a stop-gained change involving the alteration of a non-conserved nucleotide. The variant results in nonsense-mediated mRNA decay. The variant allele was found at a frequency of 0.000001650 in the GnomAD v4.1.0 database, with no homozygous or hemizygous occurrences. The in-silico tools predicted a pathogenic outcome for this variant. The variant has been reported three times in ClinVar as pathogenic. The variant was classified as pathogenic with 14 ACMG points (criteria: PVS1, PS4_moderate, PM2, PP4).

Labcorp Genetics (formerly Invitae), Labcorp
Classification: Pathogenic for Kennedy disease; Androgen resistance syndrome. Last evaluated: 2024-06-13. Review status: criteria provided, single submitter. Criteria: Invitae Variant Classification Sherloc (09022015). Collection method: clinical testing. Allele origin: germline.
Comment: This sequence change creates a premature translational stop signal (p.Arg753*) in the AR gene. It is expected to result in an absent or disrupted protein product. Loss-of-function variants in AR are known to be pathogenic (PMID: 19463997). This variant is not present in population databases (gnomAD no frequency). This premature translational stop signal has been observed in individual(s) with complete androgen insensitivity syndrome (CAIS) (PMID: 10458483, 12843171, 15925895). ClinVar contains an entry for this variant (Variation ID: 265460). For these reasons, this variant has been classified as Pathogenic.

Seattle Children's Hospital Molecular Genetics Laboratory, Seattle Children's Hospital
Classification: Pathogenic for Androgen resistance syndrome. Last evaluated: 2020-03-25. Review status: criteria provided, single submitter. Criteria: ACMG Guidelines, 2015. Collection method: clinical testing. Allele origin: unknown. Inheritance: Autosomal dominant inheritance. Affected: yes.
Comment: The AR p.Gly709Glu variant replaces the glycine at position 709 with glutamic acid. This variant has been reported in the literature as a pathogenic change in an individual with complete androgen insensitivity (PMID: 20671138). This variant has not been observed in the Genome Aggregation Database (0 of approx. 178,000 alleles; v2.1). Further supporting pathogenicity, different missense changes at the same residue (p.Gly709Ala, p.Gly709Val, p.Gly709Arg) have also been reported as pathogenic in individuals with androgen insensitivity syndrome (complete, partial, and mild AIS) (PMID: 10840043, PMID: 22334387, PMID: 7981687).

GeneDx
Classification: Pathogenic. Last evaluated: 2018-01-31. Review status: criteria provided, single submitter. Criteria: GeneDx Variant Classification (06012015). Collection method: clinical testing. Allele origin: germline. Affected: yes.
Comment: The R753X nonsense variant in the AR gene has been reported previously as R752X using alternate nomenclature in association with androgen insensitivity syndrome (Yaegashi et al., 1999; Ledig et al., 2005). The variant was not observed in approximately 6,500 individuals of European and African American ancestry in the NHLBI Exome Sequencing Project, indicating it is not a common benign variant in these populations. This pathogenic variant is predicted to cause loss of normal protein function either through protein truncation or nonsense-mediated mRNA decay. Therefore, we consider this variant to be pathogenic.

Literature cited by the submitters: PubMed 19463997 (cited by Labcorp Genetics (formerly Invitae), Labcorp); PubMed 10458483 (cited by Labcorp Genetics (formerly Invitae), Labcorp); PubMed 12843171 (cited by Labcorp Genetics (formerly Invitae), Labcorp); PubMed 15925895 (cited by Labcorp Genetics (formerly Invitae), Labcorp); PubMed 20671138 (cited by Seattle Children's Hospital Molecular Genetics Laboratory, Seattle Children's Hospital); PubMed 10840043 (cited by Seattle Children's Hospital Molecular Genetics Laboratory, Seattle Children's Hospital); PubMed 22334387 (cited by Seattle Children's Hospital Molecular Genetics Laboratory, Seattle Children's Hospital); PubMed 7981687 (cited by Seattle Children's Hospital Molecular Genetics Laboratory, Seattle Children's Hospital).